The following is an entry in ClinVar:

ClinVar aggregate classification (germline): Uncertain significance (1 of 4 stars; one submission).

Conditions:
Norman-Roberts syndrome (LIS2). Also called: Lissencephaly 2 (Norman-Roberts type). Identifiers: Orphanet 89844, MedGen C0796089, MONDO:0009760, OMIM 257320.
Familial temporal lobe epilepsy 7. Identifiers: Orphanet 101046, MedGen C4225327, MONDO:0014639, OMIM 616436.

gnomAD v4.1: 6 of 1,614,022 alleles (0.00037%); highest among the groups gnomAD compares: African/African-American, 0.008%; no homozygotes.

Submission:

Labcorp Genetics (formerly Invitae), Labcorp
Classification: Uncertain significance for Familial temporal lobe epilepsy 7; Norman-Roberts syndrome. Last evaluated: 2023-11-10. Review status: criteria provided, single submitter. Criteria: Invitae Variant Classification Sherloc (09022015). Collection method: clinical testing. Allele origin: germline.
Comment: This sequence change replaces isoleucine, which is neutral and non-polar, with asparagine, which is neutral and polar, at codon 1737 of the RELN protein (p.Ile1737Asn). This variant is present in population databases (rs202116849, gnomAD 0.01%). This variant has not been reported in the literature in individuals affected with RELN-related conditions. Algorithms developed to predict the effect of missense changes on protein structure and function output the following: SIFT: "Not Available"; PolyPhen-2: "Benign"; Align-GVGD: "Not Available". The asparagine amino acid residue is found in multiple mammalian species, which suggests that this missense change does not adversely affect protein function. In summary, the available evidence is currently insufficient to determine the role of this variant in disease. Therefore, it has been classified as a Variant of Uncertain Significance.

NM_005045.4(RELN):c.5210T>A (p.Ile1737Asn)

Gene: RELN (reelin; minus strand). Cytogenetic location: 7q22.1.
Variant type: single nucleotide variant.
Coding change: c.5210T>A on transcript NM_005045.4 (MANE Select); coding-DNA position 5210, T replaced by A.
Protein change: p.Ile1737Asn; replaces isoleucine 1737 with asparagine.
Molecular consequence: missense variant.
Genome position (GRCh38, 1-based): chr7:103,565,278, A>T on the plus strand (T>A on the coding strand, the complement: RELN is on the minus strand). VCF-style: chr7-103565278-A-T. GRCh37 (hg19) VCF-style: chr7-103205725-A-T.
Other names: c.5210T>A, p.Ile1737Asn (NM_173054.3); short protein forms I1737N.
Identifiers: ClinVar variation 2940699 (VCV002940699.3), dbSNP rs202116849, ClinGen allele CA4421306.